The following is an entry in ClinVar:

NM_001267550.2(TTN):c.66049G>A (p.Val22017Met)

Genes: TTN-AS1 (TTN antisense RNA 1; plus strand), TTN (titin; minus strand). Cytogenetic location: 2q31.2.
Variant type: single nucleotide variant.
Coding change: c.66049G>A on transcript NM_001267550.2 (MANE Select); coding-DNA position 66049, G replaced by A.
Protein change: p.Val22017Met; replaces valine 22017 with methionine.
Molecular consequence: missense variant.
Genome position (GRCh38, 1-based): chr2:178,582,407, C>T on the plus strand (G>A on the coding strand, the complement: TTN is on the minus strand). VCF-style: chr2-178582407-C-T. GRCh37 (hg19) VCF-style: chr2-179447134-C-T.
Other names: c.61126G>A, p.Val20376Met (NM_001256850.1); c.38854G>A, p.Val12952Met (NM_003319.4); c.58345G>A, p.Val19449Met (NM_133378.4); c.39229G>A, p.Val13077Met (NM_133432.3); c.39430G>A, p.Val13144Met (NM_133437.4); short protein forms V12952M, V13077M, V13144M, V19449M, V20376M, V22017M.
Identifiers: ClinVar variation 3766523 (VCV003766523.3).

ClinVar aggregate classification (germline): Uncertain significance. Review status: criteria provided, multiple submitters, no conflicts (2 of 4 stars). 3 submissions from 3 submitters: Uncertain significance (3). Last evaluated 2026-07-06.

Conditions:
TTN-related disorder. Also called: TTN-related disorders; TTN-related condition; TTN-related disease.

gnomAD v4.1: 33 of 1,612,760 alleles (0.002%); highest among the groups gnomAD compares: Middle Eastern, 0.016%; no homozygotes.

Submissions (3):

PreventionGenetics, part of Exact Sciences
Classification: Uncertain significance for TTN-related condition. Last evaluated: 2026-07-06. Review status: criteria provided, single submitter. Criteria: ACMG Guidelines, 2015. Collection method: clinical testing. Allele origin: germline.
Comment: The TTN c.66049G>A variant is predicted to result in the amino acid substitution p.Val22017Met. To our knowledge, this variant has not been reported in the literature. This variant is reported in 0.013% of alleles in individuals of African descent in gnomAD. At this time, the clinical significance of this variant is uncertain due to the absence of conclusive functional and genetic evidence.

ARUP Laboratories, Molecular Genetics and Genomics, ARUP Laboratories
Classification: Uncertain significance. Last evaluated: 2024-03-20. Review status: criteria provided, single submitter. Criteria: ARUP Molecular Germline Variant Investigation Process 2024. Collection method: clinical testing. Allele origin: germline.
Comment: The TTN c.66049G>A; p.Val22017Met variant (rs375663566) is rare in the general population (<0.2% allele frequency in the Genome Aggregation Database) and has not been reported in the medical literature in association with dilated cardiomyopathy (DCM) or other TTN-related disease. The clinical relevance of rare missense variants in this gene, which are identified on average once per individual sequenced in affected populations (Herman 2012), is not well understood. Yet, evidence suggests that the vast majority of such missense variants do not contribute to the clinical outcome of DCM (Begay 2015). Thus, the clinical significance of the p.Val22017Met variant cannot be determined with certainty. Begay RL et al. Role of Titin Missense Variants in Dilated Cardiomyopathy. J Am Heart Assoc. 2015 Nov 13;4(11). PMID: 26567375. Herman DS et al. Truncations of titin causing dilated cardiomyopathy. N Engl J Med. 2012 Feb 16;366(7):619-28. PMID: 22335739. Linke WA and Hamdani N. Gigantic business: titin properties and function through thick and thin. Circ Res 2014; 114(6): 1052-1068. PMID: 24625729.

Revvity Omics, Revvity
Classification: Uncertain significance. Last evaluated: 2023-12-01. Review status: criteria provided, single submitter. Criteria: ACMG Guidelines, 2015. Collection method: clinical testing. Allele origin: germline.